The following is an entry in ClinVar:

NM_152649.4(MLKL):c.758C>G (p.Thr253Ser)

Gene: MLKL (mixed lineage kinase domain like pseudokinase; minus strand). Cytogenetic location: 16q23.1.
Variant type: single nucleotide variant.
Coding change: c.758C>G on transcript NM_152649.4 (MANE Select); coding-DNA position 758, C replaced by G.
Protein change: p.Thr253Ser; replaces threonine 253 with serine.
Molecular consequence: missense variant. On other transcripts: intron variant (1).
Genome position (GRCh38, 1-based): chr16:74,685,548, G>C on the plus strand (C>G on the coding strand, the complement: MLKL is on the minus strand). VCF-style: chr16-74685548-G-C. GRCh37 (hg19) VCF-style: chr16-74719446-G-C.
Other names: p.Thr253Ser; c.535+6794C>G (NM_001142497.3); short protein forms T253S.
Identifiers: ClinVar variation 4056358 (VCV004056358.1).

ClinVar aggregate classification (germline): Uncertain significance (1 of 4 stars; one submission).

Conditions:
Inflammatory bowel disease. Identifiers: Orphanet 104012, MedGen C0021390, MONDO:0005265.

Submission:

Laboratory of Medical Genetics Unit, Bambino Gesù Children's Hospital
Classification: Uncertain significance for Inflammatory bowel disease. Last evaluated: 2025-06-27. Review status: criteria provided, single submitter. Criteria: ACMG Guidelines, 2015. Collection method: clinical testing. Allele origin: de novo. Inheritance: Autosomal dominant inheritance. Affected: yes. Observed: 1 heterozygote.
Comment: The variant was evaluated by VarSome (Kopanos et al., Bioinformatics 2018) and categorized in accordance with the ACMG recommendations (Richards et al., Genet.Med.2015). Based on insufficient or conflicting evidence, the clinical significance of this alteration remains unclear.